The following is an entry in ClinVar:

ClinVar aggregate classification (germline): Uncertain significance (1 of 4 stars; one submission).

gnomAD v4.1: 1 of 1,198,011 alleles (0.000083%); highest among the groups gnomAD compares: African/African-American, 0.0018%; no homozygotes.

Submission:

GeneDx
Classification: Uncertain significance. Last evaluated: 2025-05-02. Review status: criteria provided, single submitter. Criteria: GeneDx Variant Classification Process June 2021. Collection method: clinical testing. Allele origin: germline. Affected: yes.
Comment: Not observed at significant frequency in large population cohorts (gnomAD); In silico analysis suggests that this missense variant does not alter protein structure/function; Has not been previously published as pathogenic or benign to our knowledge

NM_001081550.2(THOC2):c.4207C>A (p.Pro1403Thr)

Gene: THOC2 (THO complex subunit 2; minus strand). Cytogenetic location: Xq25.
Variant type: single nucleotide variant.
Coding change: c.4207C>A on transcript NM_001081550.2 (MANE Select); coding-DNA position 4207, C replaced by A.
Protein change: p.Pro1403Thr; replaces proline 1403 with threonine.
Molecular consequence: missense variant.
Genome position (GRCh38, 1-based): chrX:123,621,166, G>T on the plus strand (C>A on the coding strand, the complement: THOC2 is on the minus strand). VCF-style: chrX-123621166-G-T. GRCh37 (hg19) VCF-style: chrX-122755017-G-T.
Other names: c.4207C>A, p.Pro1403Thr (NM_001441235.1, NM_001441236.1); short protein forms P1403T.
Identifiers: ClinVar variation 4527868 (VCV004527868.1).